The following is an entry in ClinVar:

NM_004370.6(COL12A1):c.4958-13T>G

Gene: COL12A1 (collagen type XII alpha 1 chain; minus strand). Cytogenetic location: 6q13.
Variant type: single nucleotide variant.
Coding change: c.4958-13T>G on transcript NM_004370.6 (MANE Select); 13 bases into the intron before coding-DNA position 4958, T replaced by G.
Molecular consequence: intron variant.
Genome position (GRCh38, 1-based): chr6:75,138,974, A>C on the plus strand (T>G on the coding strand, the complement: COL12A1 is on the minus strand). VCF-style: chr6-75138974-A-C. GRCh37 (hg19) VCF-style: chr6-75848690-A-C.
Other names: c.1466-13T>G (NM_001424116.1, NM_080645.3); c.4685-13T>G (NM_001424115.1); c.4958-13T>G (NM_001424114.1, NM_001424113.1).
Identifiers: ClinVar variation 3756201 (VCV003756201.2).

ClinVar aggregate classification (germline): Uncertain significance (1 of 4 stars; one submission).

Conditions:
Ullrich congenital muscular dystrophy 2 (UCMD2). Identifiers: Orphanet 75840, MedGen C4225314, MONDO:0014654, OMIM 616470.
Bethlem myopathy 2 (BTHLM2). Identifiers: Orphanet 536516, Orphanet 610, MedGen C4225313, MONDO:0034022, OMIM 616471.

Submission:

Labcorp Genetics (formerly Invitae), Labcorp
Classification: Uncertain significance for Bethlem myopathy 2; Ullrich congenital muscular dystrophy 2. Last evaluated: 2024-07-03. Review status: criteria provided, single submitter. Criteria: Invitae Variant Classification Sherloc (09022015). Collection method: clinical testing. Allele origin: germline.
Comment: This sequence change falls in intron 27 of the COL12A1 gene. It does not directly change the encoded amino acid sequence of the COL12A1 protein. This variant is not present in population databases (gnomAD no frequency). This variant has not been reported in the literature in individuals affected with COL12A1-related conditions. Algorithms developed to predict the effect of sequence changes on RNA splicing suggest that this variant may disrupt the consensus splice site. In summary, the available evidence is currently insufficient to determine the role of this variant in disease. Therefore, it has been classified as a Variant of Uncertain Significance.